The following is an entry in ClinVar:

ClinVar aggregate classification (germline): Uncertain significance. Review status: criteria provided, multiple submitters, no conflicts (2 of 4 stars). 2 submissions from 2 submitters: Uncertain significance (2). Last evaluated 2025-08-12.

Conditions:
GLI2-related disorder. Also called: GLI2-related condition; GLI2-related disorders.
Holoprosencephaly 9 (HPE9). Also called: PITUITARY ANOMALIES WITH HOLOPROSENCEPHALY-LIKE FEATURES; HOLOPROSENCEPHALY WITH MICROPHTHALMIA AND FIRST BRANCHIAL ARCH ANOMALIES. Identifiers: Orphanet 2162, MedGen C1835819, MONDO:0012563, OMIM 610829.
Postaxial polydactyly-anterior pituitary anomalies-facial dysmorphism syndrome. Also called: Culler-Jones syndrome. Identifiers: Orphanet 420584, MedGen C4014479, MONDO:0014369, OMIM 615849.

Submissions (2):

PreventionGenetics, part of Exact Sciences
Classification: Uncertain significance for GLI2-related condition. Last evaluated: 2025-08-12. Review status: criteria provided, single submitter. Criteria: ACMG Guidelines, 2015. Collection method: clinical testing. Allele origin: germline.
Comment: The GLI2 c.3281C>T variant is predicted to result in the amino acid substitution p.Ser1094Phe. To our knowledge, this variant has not been reported in the literature or in a large population database (gnomAD), indicating this variant is rare. At this time, the clinical significance of this variant is uncertain due to the absence of conclusive functional and genetic evidence.

Labcorp Genetics (formerly Invitae), Labcorp
Classification: Uncertain significance for Postaxial polydactyly-anterior pituitary anomalies-facial dysmorphism syndrome; Holoprosencephaly 9. Last evaluated: 2022-02-28. Review status: criteria provided, single submitter. Criteria: Invitae Variant Classification Sherloc (09022015). Collection method: clinical testing. Allele origin: germline.
Comment: Algorithms developed to predict the effect of missense changes on protein structure and function are either unavailable or do not agree on the potential impact of this missense change (SIFT: "Tolerated"; PolyPhen-2: "Possibly Damaging"; Align-GVGD: "Class C0"). This sequence change replaces serine, which is neutral and polar, with phenylalanine, which is neutral and non-polar, at codon 1094 of the GLI2 protein (p.Ser1094Phe). This variant is not present in population databases (gnomAD no frequency). This variant has not been reported in the literature in individuals affected with GLI2-related conditions. In summary, the available evidence is currently insufficient to determine the role of this variant in disease. Therefore, it has been classified as a Variant of Uncertain Significance.

NM_001374353.1(GLI2):c.3230C>T (p.Ser1077Phe)

Gene: GLI2 (GLI family zinc finger 2; plus strand). Cytogenetic location: 2q14.2.
Variant type: single nucleotide variant.
Coding change: c.3230C>T on transcript NM_001374353.1 (MANE Select); coding-DNA position 3230, C replaced by T.
Protein change: p.Ser1077Phe; replaces serine 1077 with phenylalanine.
Molecular consequence: missense variant.
Genome position (GRCh38, 1-based): chr2:120,989,195, C>T. VCF-style: chr2-120989195-C-T. GRCh37 (hg19) VCF-style: chr2-121746771-C-T.
Other names: c.3281C>T, p.Ser1094Phe (NM_001371271.1, NM_005270.5); c.2855C>T, p.Ser952Phe (NM_001374354.1); c.3281C>T (NM_005270.4); short protein forms S1094F, S952F, S1077F.
Identifiers: ClinVar variation 2104707 (VCV002104707.5), dbSNP rs2467776298, ClinGen allele CA348173220.